The following is an entry in ClinVar:

ClinVar aggregate classification (germline): Uncertain significance. Review status: criteria provided, multiple submitters, no conflicts (2 of 4 stars). 3 submissions from 3 submitters: Uncertain significance (2). 1 of the submissions does not count toward it. Last evaluated 2025-09-18.

Conditions:
Familial hypercholesterolemia. Also called: Familial hypercholesterolaemia; Familial hypercholesterolemias. Identifiers: MedGen C0020445, MONDO:0005439.
Cardiovascular phenotype. Identifiers: MedGen CN230736.
Hypercholesterolemia, familial, 4 (FHCL4). Also called: HYPERCHOLESTEROLEMIA, AUTOSOMAL RECESSIVE, 1; HYPERCHOLESTEROLEMIA, AUTOSOMAL RECESSIVE, 2. Identifiers: Orphanet 391665, MedGen C1863512, MONDO:0011374, OMIM 603813.

Allele frequency attached by ClinVar (database versions not stated): ExAC 0.00002; gnomAD exomes 0.00002.
gnomAD v4.1: 7 of 1,613,920 alleles (0.00043%); highest among the groups gnomAD compares: East Asian, 0.0022%; no homozygotes.

Submissions (3):

Ambry Genetics
Classification: Uncertain significance for Cardiovascular phenotype. Last evaluated: 2025-09-18. Review status: criteria provided, single submitter. Criteria: Ambry Variant Classification Scheme 2023. Collection method: clinical testing. Allele origin: germline.
Comment: The p.R39Q variant (also known as c.116G>A), located in coding exon 2 of the LDLRAP1 gene, results from a G to A substitution at nucleotide position 116. The arginine at codon 39 is replaced by glutamine, an amino acid with highly similar properties. This amino acid position is conserved. In addition, this alteration is predicted to be tolerated by in silico analysis. Based on the available evidence, the clinical significance of this variant remains unclear.

Labcorp Genetics (formerly Invitae), Labcorp
Classification: Uncertain significance for Hypercholesterolemia, familial, 4. Last evaluated: 2021-08-27. Review status: criteria provided, single submitter. Criteria: Invitae Variant Classification Sherloc (09022015). Collection method: clinical testing. Allele origin: germline.
Comment: This sequence change replaces arginine with glutamine at codon 39 of the LDLRAP1 protein (p.Arg39Gln). The arginine residue is highly conserved and there is a small physicochemical difference between arginine and glutamine. This variant is present in population databases (rs761580368, ExAC 0.01%). This variant has not been reported in the literature in individuals affected with LDLRAP1-related conditions. Algorithms developed to predict the effect of missense changes on protein structure and function are either unavailable or do not agree on the potential impact of this missense change (SIFT: "Deleterious"; PolyPhen-2: "Benign"; Align-GVGD: "Class C0"). In summary, the available evidence is currently insufficient to determine the role of this variant in disease. Therefore, it has been classified as a Variant of Uncertain Significance.

Natera, Inc.
Classification: Uncertain significance for Familial hypercholesterolemia. Last evaluated: 2020-04-14. Review status: no assertion criteria provided. Collection method: clinical testing. Allele origin: germline. Not counted in ClinVar's aggregate classification.

NM_015627.3(LDLRAP1):c.116G>A (p.Arg39Gln)

Gene: LDLRAP1 (low density lipoprotein receptor adaptor protein 1; plus strand). Cytogenetic location: 1p36.11.
Variant type: single nucleotide variant.
Coding change: c.116G>A on transcript NM_015627.3 (MANE Select); coding-DNA position 116, G replaced by A.
Protein change: p.Arg39Gln; replaces arginine 39 with glutamine.
Molecular consequence: missense variant.
Genome position (GRCh38, 1-based): chr1:25,553,949, G>A. VCF-style: chr1-25553949-G-A. GRCh37 (hg19) VCF-style: chr1-25880440-G-A.
Other names: short protein forms R39Q.
Identifiers: ClinVar variation 941822 (VCV000941822.9), dbSNP rs761580368, ClinGen allele CA695441.